The following is an entry in ClinVar:

ClinVar aggregate classification (germline): Uncertain significance (1 of 4 stars; one submission).

Conditions:
BBS1-related disorder. Also called: BBS1-related condition.

gnomAD v4.1: 2 of 1,614,054 alleles (0.00012%); highest among the groups gnomAD compares: Admixed American, 0.0017%; no homozygotes.

Submission:

PreventionGenetics, part of Exact Sciences
Classification: Uncertain significance for BBS1-related condition. Last evaluated: 2024-10-13. Review status: criteria provided, single submitter. Criteria: ACMG Guidelines, 2015. Collection method: clinical testing. Allele origin: germline.
Comment: The BBS1 c.817T>C variant is predicted to result in the amino acid substitution p.Tyr273His. To our knowledge, this variant has not been reported in the literature or in a large population database (gnomAD), indicating this variant is rare. At this time, the clinical significance of this variant is uncertain due to the absence of conclusive functional and genetic evidence.

NM_024649.5(BBS1):c.817T>C (p.Tyr273His)

Genes: BBS1 (Bardet-Biedl syndrome 1; plus strand), ZDHHC24 (zDHHC palmitoyltransferase 24; minus strand). Cytogenetic location: 11q13.2.
Variant type: single nucleotide variant.
Coding change: c.817T>C on transcript NM_024649.5 (MANE Select); coding-DNA position 817, T replaced by C.
Protein change: p.Tyr273His; replaces tyrosine 273 with histidine.
Molecular consequence: missense variant. On other transcripts: 3 prime UTR variant (1).
Genome position (GRCh38, 1-based): chr11:66,521,363, T>C. VCF-style: chr11-66521363-T-C. GRCh37 (hg19) VCF-style: chr11-66288834-T-C.
Other names: c.*125A>G (NM_001348571.2); short protein forms Y273H.
Identifiers: ClinVar variation 4997424 (VCV004997424.1).